The following is an entry in ClinVar:

ClinVar aggregate classification (germline): Uncertain significance. Review status: criteria provided, multiple submitters, no conflicts (2 of 4 stars). 2 submissions from 2 submitters: Uncertain significance (2). Last evaluated 2025-05-05.

Conditions:
Baller-Gerold syndrome (BGS). Also called: CRANIOSYNOSTOSIS WITH RADIAL DEFECTS. Identifiers: Orphanet 1225, MedGen C0265308, MONDO:0009039, OMIM 218600.
Inborn genetic diseases. Identifiers: MedGen C0950123, MeSH D030342.

Allele frequency attached by ClinVar (database versions not stated): TOPMed 0.00003.
gnomAD v4.1: 8 of 1,565,174 alleles (0.00051%); highest among the groups gnomAD compares: African/African-American, 0.0041%; no homozygotes.

Submissions (2):

Labcorp Genetics (formerly Invitae), Labcorp
Classification: Uncertain significance for Baller-Gerold syndrome. Last evaluated: 2025-05-05. Review status: criteria provided, single submitter. Criteria: Invitae Variant Classification Sherloc (09022015). Collection method: clinical testing. Allele origin: germline.
Comment: This sequence change replaces proline, which is neutral and non-polar, with serine, which is neutral and polar, at codon 669 of the RECQL4 protein (p.Pro669Ser). This variant is not present in population databases (gnomAD no frequency). This variant has not been reported in the literature in individuals affected with RECQL4-related conditions. ClinVar contains an entry for this variant (Variation ID: 839737). Invitae Evidence Modeling of protein sequence and biophysical properties (such as structural, functional, and spatial information, amino acid conservation, physicochemical variation, residue mobility, and thermodynamic stability) indicates that this missense variant is not expected to disrupt RECQL4 protein function with a negative predictive value of 80%. In summary, the available evidence is currently insufficient to determine the role of this variant in disease. Therefore, it has been classified as a Variant of Uncertain Significance.

Ambry Genetics
Classification: Uncertain significance for Inborn genetic diseases. Last evaluated: 2024-12-14. Review status: criteria provided, single submitter. Criteria: Ambry Variant Classification Scheme 2023. Collection method: clinical testing. Allele origin: germline.
Comment: The p.P669S variant (also known as c.2005C>T), located in coding exon 12 of the RECQL4 gene, results from a C to T substitution at nucleotide position 2005. The proline at codon 669 is replaced by serine, an amino acid with similar properties. This amino acid position is conserved. In addition, this alteration is predicted to be tolerated by in silico analysis. Based on the available evidence, the clinical significance of this variant remains unclear.

NM_004260.4(RECQL4):c.2005C>T (p.Pro669Ser)

Gene: RECQL4 (RecQ like helicase 4; minus strand). Cytogenetic location: 8q24.3.
Variant type: single nucleotide variant.
Coding change: c.2005C>T on transcript NM_004260.4 (MANE Select); coding-DNA position 2005, C replaced by T.
Protein change: p.Pro669Ser; replaces proline 669 with serine.
Molecular consequence: missense variant.
Genome position (GRCh38, 1-based): chr8:144,513,981, G>A on the plus strand (C>T on the coding strand, the complement: RECQL4 is on the minus strand). VCF-style: chr8-144513981-G-A. GRCh37 (hg19) VCF-style: chr8-145739365-G-A.
Other names: short protein forms P669S.
Identifiers: ClinVar variation 839737 (VCV000839737.7), dbSNP rs888214723, ClinGen allele CA187684404.